The following is an entry in ClinVar:

NM_006496.4(GNAI3):c.1031T>C (p.Ile344Thr)

Gene: GNAI3 (G protein subunit alpha i3; plus strand). Cytogenetic location: 1p13.3.
Variant type: single nucleotide variant.
Coding change: c.1031T>C on transcript NM_006496.4 (MANE Select); coding-DNA position 1031, T replaced by C.
Protein change: p.Ile344Thr; replaces isoleucine 344 with threonine.
Molecular consequence: missense variant.
Genome position (GRCh38, 1-based): chr1:109,592,199, T>C. VCF-style: chr1-109592199-T-C. GRCh37 (hg19) VCF-style: chr1-110134821-T-C.
Other names: short protein forms I344T.
Identifiers: ClinVar variation 3345601 (VCV003345601.1).

ClinVar aggregate classification (germline): Uncertain significance (0 of 4 stars; one submission).

Conditions:
GNAI3-related disorder. Also called: GNAI3-related condition.

gnomAD v4.1: 2 of 1,613,164 alleles (0.00012%); highest among the groups gnomAD compares: Non-Finnish European, 0.000085%; no homozygotes.

Submission:

PreventionGenetics, part of Exact Sciences
Classification: Uncertain significance for GNAI3-related condition. Last evaluated: 2024-05-03. Review status: no assertion criteria provided. Collection method: clinical testing. Allele origin: germline.
Comment: The GNAI3 c.1031T>C variant is predicted to result in the amino acid substitution p.Ile344Thr. To our knowledge, this variant has not been reported in the literature or in a large population database, indicating this variant is rare. At this time, the clinical significance of this variant is uncertain due to the absence of conclusive functional and genetic evidence.